The following is an entry in ClinVar:

NM_004380.3(CREBBP):c.2114-3T>C

Gene: CREBBP (CREB binding lysine acetyltransferase; minus strand). Cytogenetic location: 16p13.3.
Variant type: single nucleotide variant.
Coding change: c.2114-3T>C on transcript NM_004380.3 (MANE Select); 3 bases into the intron before coding-DNA position 2114, T replaced by C.
Molecular consequence: intron variant.
Genome position (GRCh38, 1-based): chr16:3,777,660, A>G on the plus strand (T>C on the coding strand, the complement: CREBBP is on the minus strand). VCF-style: chr16-3777660-A-G. GRCh37 (hg19) VCF-style: chr16-3827661-A-G.
Other names: c.2000-3T>C (NM_001079846.1).
Identifiers: ClinVar variation 4988513 (VCV004988513.1).

ClinVar aggregate classification (germline): Likely benign (1 of 4 stars; one submission).

Conditions:
CREBBP-related disorder. Also called: CREBBP-related disorders; CREBBP-related condition.

gnomAD v4.1: 5 of 1,613,954 alleles (0.00031%); highest among the groups gnomAD compares: Non-Finnish European, 0.00042%; no homozygotes.

Submission:

PreventionGenetics, part of Exact Sciences
Classification: Likely benign for CREBBP-related condition. Last evaluated: 2025-05-22. Review status: criteria provided, single submitter. Criteria: ACMG Guidelines, 2015. Collection method: clinical testing. Allele origin: germline.
Comment: This variant is classified as likely benign based on ACMG/AMP sequence variant interpretation guidelines (Richards et al. 2015 PMID: 25741868, with internal and published modifications).